The following is an entry in ClinVar:

NM_199355.4(ADAMTS18):c.643C>T (p.Arg215Cys)

Gene: ADAMTS18 (ADAM metallopeptidase with thrombospondin type 1 motif 18; minus strand). Cytogenetic location: 16q23.1.
Variant type: single nucleotide variant.
Coding change: c.643C>T on transcript NM_199355.4 (MANE Select); coding-DNA position 643, C replaced by T.
Protein change: p.Arg215Cys; replaces arginine 215 with cysteine.
Molecular consequence: missense variant. On other transcripts: synonymous variant (1).
Genome position (GRCh38, 1-based): chr16:77,367,576, G>A on the plus strand (C>T on the coding strand, the complement: ADAMTS18 is on the minus strand). VCF-style: chr16-77367576-G-A. GRCh37 (hg19) VCF-style: chr16-77401473-G-A.
Other names: c.123C>T, p.Thr41= (NM_001326358.2); c.643C>T (NM_199355.2); short protein forms R215C.
Identifiers: ClinVar variation 1525571 (VCV001525571.7), dbSNP rs760054443, ClinGen allele CA8181613.

ClinVar aggregate classification (germline): Uncertain significance. Review status: criteria provided, multiple submitters, no conflicts (2 of 4 stars). 2 submissions from 2 submitters: Uncertain significance (2). Last evaluated 2024-01-29.

Conditions:
Inborn genetic diseases. Identifiers: MedGen C0950123, MeSH D030342.

Allele frequency attached by ClinVar (database versions not stated): gnomAD 0.00001; gnomAD exomes 0.00002; ExAC 0.00004.

Submissions (2):

Ambry Genetics
Classification: Uncertain significance for Inborn genetic diseases. Last evaluated: 2024-01-29. Review status: criteria provided, single submitter. Criteria: Ambry Variant Classification Scheme 2023. Collection method: clinical testing. Allele origin: germline.

Labcorp Genetics (formerly Invitae), Labcorp
Classification: Uncertain significance. Last evaluated: 2021-04-12. Review status: criteria provided, single submitter. Criteria: Invitae Variant Classification Sherloc (09022015). Collection method: clinical testing. Allele origin: germline.
Comment: In summary, the available evidence is currently insufficient to determine the role of this variant in disease. Therefore, it has been classified as a Variant of Uncertain Significance. Algorithms developed to predict the effect of missense changes on protein structure and function are either unavailable or do not agree on the potential impact of this missense change (SIFT: "Not Available"; PolyPhen-2: "Benign"; Align-GVGD: "Not Available"). This variant has not been reported in the literature in individuals with ADAMTS18-related conditions. This variant is present in population databases (rs760054443, ExAC 0.02%). This sequence change replaces arginine with cysteine at codon 215 of the ADAMTS18 protein (p.Arg215Cys). The arginine residue is weakly conserved and there is a large physicochemical difference between arginine and cysteine.